The following is an entry in ClinVar:

ClinVar aggregate classification (germline): Pathogenic (1 of 4 stars; one submission).

Conditions:
X-linked intellectual disability, Cantagrel type (XLID98). Also called: INTELLECTUAL DEVELOPMENTAL DISORDER, X-LINKED 98. Identifiers: Orphanet 85277, MedGen C3806730, MONDO:0010483, OMIM 300912.

Submission:

Pittsburgh Clinical Genomics Laboratory, University of Pittsburgh Medical Center
Classification: Pathogenic for X-linked intellectual disability, Cantagrel type. Last evaluated: 2022-08-26. Review status: criteria provided, single submitter. Criteria: ACMG Guidelines, 2015. Collection method: clinical testing. Allele origin: germline. Inheritance: X-linked dominant inheritance. Affected: yes.
Comment: This sequence variant is a single nucleotide substitution (C>T) at coding nucleotide 1423 of the NEXMIF gene which changes the Gln475 codon into an early termition sigl. As it occurs in exon 3 of 4 and elimites over two thirds of the coding sequence, this variant is predicted to generate a non-functiol allele through the expression of a truncated protein or a loss of NEXMIF expression due to nonsense-mediated decay. This is a novel variant which has not been reported in clinical genetics databases or observed in the medical literature in individuals with NEXMIF-related disease, to our knowledge. This variant is absent from the gnomAD control population dataset (0/~182000 alleles). Based on the available evidence, we consider this variant to be pathogenic. ACMG Criteria: PM2, PS2, PVS1

NM_001008537.3(NEXMIF):c.1423C>T (p.Gln475Ter)

Gene: NEXMIF (neurite extension and migration factor; minus strand). Cytogenetic location: Xq13.3.
Variant type: single nucleotide variant.
Coding change: c.1423C>T on transcript NM_001008537.3 (MANE Select); coding-DNA position 1423, C replaced by T.
Protein change: p.Gln475Ter; replaces glutamine 475 with a stop codon.
Molecular consequence: nonsense.
Genome position (GRCh38, 1-based): chrX:74,743,134, G>A on the plus strand (C>T on the coding strand, the complement: NEXMIF is on the minus strand). VCF-style: chrX-74743134-G-A. GRCh37 (hg19) VCF-style: chrX-73962969-G-A.
Other names: short protein forms Q475*.
Identifiers: ClinVar variation 3376212 (VCV003376212.1).